The following is an entry in ClinVar:

ClinVar aggregate classification (germline): Uncertain significance (1 of 4 stars; one submission).

Conditions:
Hereditary cancer-predisposing syndrome. Also called: Neoplastic Syndromes, Hereditary; Tumor predisposition; Hereditary neoplastic syndrome; Hereditary Cancer Syndrome. Identifiers: Orphanet 140162, MedGen C0027672, MeSH D009386, MONDO:0015356.

Submission:

Ambry Genetics
Classification: Uncertain significance for Hereditary cancer-predisposing syndrome. Last evaluated: 2026-07-04. Review status: criteria provided, single submitter. Criteria: Ambry Variant Classification Scheme 2023. Collection method: clinical testing. Allele origin: germline.
Comment: The p.N786K variant (also known as c.2358T>G), located in coding exon 9 of the MET gene, results from a T to G substitution at nucleotide position 2358. The asparagine at codon 786 is replaced by lysine, an amino acid with similar properties. This amino acid position is conserved. In addition, this alteration is predicted to be tolerated by in silico analysis. Based on the available evidence, the clinical significance of this variant remains unclear.

NM_000245.4(MET):c.2304T>G (p.Asn768Lys)

Gene: MET (MET proto-oncogene, receptor tyrosine kinase; plus strand). Cytogenetic location: 7q31.2.
Variant type: single nucleotide variant.
Coding change: c.2304T>G on transcript NM_000245.4 (MANE Select); coding-DNA position 2304, T replaced by G.
Protein change: p.Asn768Lys; replaces asparagine 768 with lysine.
Molecular consequence: missense variant.
Genome position (GRCh38, 1-based): chr7:116,759,430, T>G. VCF-style: chr7-116759430-T-G. GRCh37 (hg19) VCF-style: chr7-116399484-T-G.
Other names: c.2358T>G, p.Asn786Lys (NM_001127500.3); c.2304T>G, p.Asn768Lys (NM_001324401.3); c.1014T>G, p.Asn338Lys (NM_001324402.2); short protein forms N768K, N338K, N786K.
Identifiers: ClinVar variation 5024337 (VCV005024337.1).
Genomic context (GRCh38, chr7:116,759,430, plus strand): 5'-TTTTCTATTTTGCTTTGCCAGTGGTGGGAGCACAATAACAGGTGTTGGGAAAAACCTGAA[T>G]TCAGTTAGTGTCCCGAGAATGGTCATAAATGTGCATGAAGCAGGAAGGAACTTTACAGTG-3'
Protein context (NP_000236.2, residues 758-778): STITGVGKNL[Asn768Lys]SVSVPRMVIN